The following is an entry in ClinVar:

ClinVar aggregate classification (germline): Uncertain significance (1 of 4 stars; one submission).

Conditions:
Inborn genetic diseases. Identifiers: MedGen C0950123, MeSH D030342.

Submission:

Ambry Genetics
Classification: Uncertain significance for Inborn genetic diseases. Last evaluated: 2025-08-06. Review status: criteria provided, single submitter. Criteria: Ambry Variant Classification Scheme 2023. Collection method: clinical testing. Allele origin: germline.
Comment: The p.M394T variant (also known as c.1181T>C), located in coding exon 7 of the ETV6 gene, results from a T to C substitution at nucleotide position 1181. The methionine at codon 394 is replaced by threonine, an amino acid with similar properties. This amino acid position is highly conserved in available vertebrate species. In addition, this alteration is predicted to be deleterious by in silico analysis. Based on the available evidence, the clinical significance of this variant remains unclear.

NM_001987.5(ETV6):c.1181T>C (p.Met394Thr)

Gene: ETV6 (ETS variant transcription factor 6; plus strand). Cytogenetic location: 12p13.2.
Variant type: single nucleotide variant.
Coding change: c.1181T>C on transcript NM_001987.5 (MANE Select); coding-DNA position 1181, T replaced by C.
Protein change: p.Met394Thr; replaces methionine 394 with threonine.
Molecular consequence: missense variant. On other transcripts: intron variant (1).
Genome position (GRCh38, 1-based): chr12:11,885,954, T>C. VCF-style: chr12-11885954-T-C. GRCh37 (hg19) VCF-style: chr12-12038888-T-C.
Other names: c.1178T>C, p.Met393Thr (NM_001413913.1); c.1154T>C, p.Met385Thr (NM_001413914.1); c.917T>C, p.Met306Thr (NM_001413915.1); c.1010-4987T>C (NM_001413917.1); short protein forms M306T, M393T, M394T, M385T.
Identifiers: ClinVar variation 4251462 (VCV004251462.1).